The following is an entry in ClinVar:

ClinVar aggregate classification (germline): Conflicting classifications of pathogenicity. Review status: criteria provided, conflicting classifications (1 of 4 stars). 3 submissions from 3 submitters: Likely pathogenic (2); Uncertain significance (1). Last evaluated 2026-08-13.

Conditions:
Hypophosphatasia. Also called: Phosphoethanol-aminuria. Identifiers: Orphanet 436, MedGen C0020630, MeSH D007014, MONDO:0018570.

Submissions (3):

JKU Lab, Dept of Paediatrics, Johannes Kepler University
Classification: Likely pathogenic for Hypophosphatasia. Last evaluated: 2026-08-13. Review status: criteria provided, single submitter. Criteria: ACMG Guidelines, 2015. Collection method: curation. Allele origin: germline. Affected: yes.
Comment: This missense variant is not present in GnomAD 4.1 and affects a highly conserved amino acid in the homodimeric interface domain. The variant is predicted to affect protein function (REVEL score: 0.797). Splice-prediction algorithms predict no effect on splicing. This variant has been reported in the literature in individuals affected with ALPL-related conditions (PMID:PMID: 33181846; 34164522).

Genomenon, Inc
Classification: Likely pathogenic for Hypophosphatasia. Last evaluated: 2025-08-29. Review status: criteria provided, single submitter. Criteria: Genomenon Sequence Variant Interpretation Standards. Collection method: curation. Allele origin: germline. Affected: yes.
Comment: ALPL His482Gln (c.1446C>A) is a missense variant that changes the amino acid at residue 482 from Histidine to Glutamine. This variant has been observed in at least one proband affected with hypophosphatasia (PMID:33181846;34164522). It has been observed in trans with a pathogenic variant (PMID:34164522). Functional studies have been reported;however, the significance of the findings remain unclear (PMID:34164522). It is absent or not present at a significant frequency in gnomAD. In silico models agree that this variant is possibly or probably damaging. In conclusion, we classify ALPL p.His482Gln (c.1446C>A) as a likely pathogenic variant.

Women's Health and Genetics/Laboratory Corporation of America, LabCorp
Classification: Uncertain significance. Last evaluated: 2023-08-10. Review status: criteria provided, single submitter. Criteria: LabCorp Variant Classification Summary - May 2015. Collection method: clinical testing. Allele origin: germline.
Comment: Variant summary: ALPL c.1446C>A (p.His482Gln) results in a non-conservative amino acid change in the encoded protein sequence. Five of five in-silico tools predict a damaging effect of the variant on protein function. The variant was absent in 243800 control chromosomes. The available data on variant occurrences in the general population are insufficient to allow any conclusion about variant significance. c.1446C>A has been reported in the literature in individuals affected with Hypophosphatasia, Autosomal Recessive (Su_2021). These data do not allow any conclusion about variant significance. At least one publication reports experimental evidence demonstrating that this variant retains most of its Alkaline phosphatase activity (Su_2021). The following publications have been ascertained in the context of this evaluation (PMID: 34906475, 34164522). No submitters have cited clinical-significance assessments for this variant to ClinVar after 2014. Based on the evidence outlined above, the variant was classified as uncertain significance.

Literature cited by the submitters: PubMed 33181846 (cited by JKU Lab, Dept of Paediatrics, Johannes Kepler University and Genomenon, Inc); PubMed 34164522 (cited by 3 submitters); PubMed 34906475 (cited by Women's Health and Genetics/Laboratory Corporation of America, LabCorp).

NM_000478.6(ALPL):c.1446C>A (p.His482Gln)

Gene: ALPL (alkaline phosphatase, biomineralization associated; plus strand). Cytogenetic location: 1p36.12.
Variant type: single nucleotide variant.
Coding change: c.1446C>A on transcript NM_000478.6 (MANE Select); coding-DNA position 1446, C replaced by A.
Protein change: p.His482Gln; replaces histidine 482 with glutamine.
Molecular consequence: missense variant.
Genome position (GRCh38, 1-based): chr1:21,577,519, C>A. VCF-style: chr1-21577519-C-A. GRCh37 (hg19) VCF-style: chr1-21904012-C-A.
Other names: c.1281C>A, p.His427Gln (NM_001127501.4); c.1215C>A, p.His405Gln (NM_001177520.3); c.1446C>A, p.His482Gln (NM_001369803.2, NM_001369804.2, NM_001369805.2); short protein forms H405Q, H427Q, H482Q.
Identifiers: ClinVar variation 2581628 (VCV002581628.3), dbSNP rs747980975, ClinGen allele CA338882228.